The following is an entry in ClinVar:

NM_014795.4(ZEB2):c.2327A>G (p.Asp776Gly)

Gene: ZEB2 (zinc finger E-box binding homeobox 2; minus strand). Cytogenetic location: 2q22.3.
Variant type: single nucleotide variant.
Coding change: c.2327A>G on transcript NM_014795.4 (MANE Select); coding-DNA position 2327, A replaced by G.
Protein change: p.Asp776Gly; replaces aspartic acid 776 with glycine.
Molecular consequence: missense variant.
Genome position (GRCh38, 1-based): chr2:144,398,860, T>C on the plus strand (A>G on the coding strand, the complement: ZEB2 is on the minus strand). VCF-style: chr2-144398860-T-C. GRCh37 (hg19) VCF-style: chr2-145156427-T-C.
Other names: c.2255A>G, p.Asp752Gly (NM_001171653.2); short protein forms D776G, D752G.
Identifiers: ClinVar variation 534630 (VCV000534630.9), dbSNP rs1553961558, ClinGen allele CA348708531.

ClinVar aggregate classification (germline): Uncertain significance. Review status: criteria provided, multiple submitters, no conflicts (2 of 4 stars). 2 submissions from 2 submitters: Uncertain significance (2). Last evaluated 2017-08-23.

Conditions:
Mowat-Wilson syndrome (MOWS). Also called: Classic Mowat-Wilson Syndrome. Identifiers: Orphanet 2152, MedGen C1856113, MONDO:0009341, OMIM 235730.

Submissions (2):

Labcorp Genetics (formerly Invitae), Labcorp
Classification: Uncertain significance for Mowat-Wilson syndrome. Last evaluated: 2017-08-23. Review status: criteria provided, single submitter. Criteria: Invitae Variant Classification Sherloc (09022015). Collection method: clinical testing. Allele origin: germline.
Comment: This sequence change replaces aspartic acid with glycine at codon 776 of the ZEB2 protein (p.Asp776Gly). The aspartic acid residue is highly conserved and there is a moderate physicochemical difference between aspartic acid and glycine. In summary, the available evidence is currently insufficient to determine the role of this variant in disease. Therefore, it has been classified as a Variant of Uncertain Significance. Algorithms developed to predict the effect of missense changes on protein structure and function do not agree on the potential impact of this missense change (SIFT: "Tolerated"; PolyPhen-2: "Possibly Damaging"; Align-GVGD: "Class C35"). This variant has not been reported in the literature in individuals with ZEB2-related disease. This variant is not present in population databases (ExAC no frequency).

Neuberg Centre For Genomic Medicine, NCGM
Classification: Uncertain significance for Mowat-Wilson syndrome. Review status: criteria provided, single submitter. Criteria: ACMG Guidelines, 2015. Collection method: clinical testing. Allele origin: germline. Inheritance: Autosomal dominant inheritance. Affected: yes.
Comment: The missense c.2327A>Gp.Asp776Gly variant in ZEB2 gene has not been reported previously as a pathogenic variant nor a benign variant, to our knowledge. The p.Asp776Gly variant is novel not in any individuals in both gnomAD Exomes and 1000 Genomes databases. This variant has been reported to the ClinVar database as Uncertain Significance. The amino acid change p.Asp776Gly in ZEB2 is predicted as conserved by GERP++ and PhyloP across 100 vertebrates. The amino acid Asp at position 776 is changed to a Gly changing protein sequence and it might alter its composition and physico-chemical properties. For these reasons, this variant has been classified as a Variant of Uncertain Significance VUS.